The following is an entry in ClinVar:

NM_001199267.2(DGKZ):c.162-934G>A

Gene: DGKZ (diacylglycerol kinase zeta; plus strand). Cytogenetic location: 11p11.2.
Variant type: single nucleotide variant.
Coding change: c.162-934G>A on transcript NM_001199267.2 (MANE Select); 934 bases into the intron before coding-DNA position 162, G replaced by A.
Molecular consequence: intron variant. On other transcripts: missense variant (1).
Genome position (GRCh38, 1-based): chr11:46,366,357, G>A. VCF-style: chr11-46366357-G-A. GRCh37 (hg19) VCF-style: chr11-46387907-G-A.
Other names: c.101G>A, p.Arg34Gln (NM_001105540.2); c.213-934G>A (NM_201532.3); c.177-934G>A (NM_201533.3); c.162-934G>A (NM_001199266.2, NM_003646.4, NM_001199268.2); c.101G>A (NM_001105540.1); short protein forms R34Q.
Identifiers: ClinVar variation 1432058 (VCV001432058.5), dbSNP rs749405155, ClinGen allele CA5962067.

ClinVar aggregate classification (germline): Uncertain significance. Review status: criteria provided, multiple submitters, no conflicts (2 of 4 stars). 2 submissions from 2 submitters: Uncertain significance (2). Last evaluated 2025-08-09.

Allele frequency attached by ClinVar (database versions not stated): TOPMed 0.00001; gnomAD 0.00002; gnomAD exomes 0.00002 and 0.00004; ExAC 0.00008.
gnomAD v4.1: 42 of 1,531,356 alleles (0.0027%); highest among the groups gnomAD compares: South Asian, 0.016%; no homozygotes.

Submissions (2):

Ambry Genetics
Classification: Uncertain significance. Last evaluated: 2025-08-09. Review status: criteria provided, single submitter. Criteria: Ambry Variant Classification Scheme 2023. Collection method: clinical testing. Allele origin: germline.

Labcorp Genetics (formerly Invitae), Labcorp
Classification: Uncertain significance. Last evaluated: 2021-12-05. Review status: criteria provided, single submitter. Criteria: Invitae Variant Classification Sherloc (09022015). Collection method: clinical testing. Allele origin: germline.
Comment: This sequence change replaces arginine, which is basic and polar, with glutamine, which is neutral and polar, at codon 34 of the DGKZ protein (p.Arg34Gln). This variant is present in population databases (rs749405155, gnomAD 0.02%). This variant has not been reported in the literature in individuals affected with DGKZ-related conditions. Algorithms developed to predict the effect of missense changes on protein structure and function output the following: SIFT: "Deleterious"; PolyPhen-2: "Benign"; Align-GVGD: "Class C0". The glutamine amino acid residue is found in multiple mammalian species, which suggests that this missense change does not adversely affect protein function. In summary, the available evidence is currently insufficient to determine the role of this variant in disease. Therefore, it has been classified as a Variant of Uncertain Significance.